The following is an entry in ClinVar:

ClinVar aggregate classification (germline): Conflicting classifications of pathogenicity. Review status: criteria provided, conflicting classifications (1 of 4 stars). 2 submissions from 2 submitters: Uncertain significance (1); Likely benign (1). Last evaluated 2023-06-19.

gnomAD v4.1: 1 of 1,614,206 alleles (0.000062%); highest among the groups gnomAD compares: Non-Finnish European, 0.000085%; no homozygotes.

Submissions (2):

Blueprint Genetics
Classification: Likely benign. Last evaluated: 2023-06-19. Review status: criteria provided, single submitter. Criteria: ACMG Guidelines, 2015. Collection method: clinical testing. Allele origin: germline.

CeGaT Center for Human Genetics Tuebingen
Classification: Uncertain significance. Last evaluated: 2022-09-01. Review status: criteria provided, single submitter. Criteria: CeGaT Center For Human Genetics Tuebingen Variant Classification Criteria Version 2. Collection method: clinical testing. Allele origin: germline. Affected: yes. Observed: 1 variant allele.
Comment: KCNC1: PM2:Supporting, BP4

NM_001112741.2(KCNC1):c.1359A>G (p.Pro453=)

Gene: KCNC1 (potassium voltage-gated channel subfamily C member 1; plus strand). Cytogenetic location: 11p15.1.
Variant type: single nucleotide variant.
Coding change: c.1359A>G on transcript NM_001112741.2 (MANE Select); coding-DNA position 1359, A replaced by G.
Protein change: p.Pro453=; no amino-acid change (proline 453 retained).
Molecular consequence: synonymous variant.
Genome position (GRCh38, 1-based): chr11:17,772,453, A>G. VCF-style: chr11-17772453-A-G. GRCh37 (hg19) VCF-style: chr11-17794000-A-G.
Other names: c.1359A>G, p.Pro453= (NM_004976.4).
Identifiers: ClinVar variation 2641659 (VCV002641659.25), dbSNP rs1325438274, ClinGen allele CA473520030.